The following is an entry in ClinVar:

NM_000124.4(ERCC6):c.1992+3A>G

Gene: ERCC6 (ERCC excision repair 6, chromatin remodeling factor; minus strand). Cytogenetic location: 10q11.23.
Variant type: single nucleotide variant.
Coding change: c.1992+3A>G on transcript NM_000124.4 (MANE Select); 3 bases into the intron after coding-DNA position 1992, A replaced by G.
Molecular consequence: intron variant.
Genome position (GRCh38, 1-based): chr10:49,483,343, T>C on the plus strand (A>G on the coding strand, the complement: ERCC6 is on the minus strand). VCF-style: chr10-49483343-T-C. GRCh37 (hg19) VCF-style: chr10-50691389-T-C.
Other names: c.1992+3A>G (NM_001346440.2).
Identifiers: ClinVar variation 1459856 (VCV001459856.7), dbSNP rs994372113, ClinGen allele CA206596184.

ClinVar aggregate classification (germline): Pathogenic/Likely pathogenic. Review status: criteria provided, multiple submitters, no conflicts (2 of 4 stars). 2 submissions from 2 submitters: Pathogenic (1); Likely pathogenic (1). Last evaluated 2026-02-09.

Conditions:
Cockayne spectrum with or without cerebrooculofacioskeletal syndrome. Identifiers: MedGen CN315928, MONDO:0100506.

Allele frequency attached by ClinVar (database versions not stated): TOPMed below 0.00001; gnomAD 0.00001.
gnomAD v4.1: 1 of 1,613,970 alleles (0.000062%); highest among the groups gnomAD compares: Non-Finnish European, 0.000085%; no homozygotes.

Submissions (2):

Myriad Genetics, Inc.
Classification: Likely pathogenic for Cockayne spectrum with or without cerebrooculofacioskeletal syndrome. Last evaluated: 2026-02-09. Review status: criteria provided, single submitter. Criteria: Myriad Autosomal Dominant, Autosomal Recessive and X-Linked Classification Criteria (2023). Collection method: clinical testing. Allele origin: unknown.
Comment: NM_000124.2(ERCC6):c.1992+3A>G is an intronic variant classified as likely pathogenic in the context of ERCC6-related disorders. c.1992+3A>G has been observed in cases with relevant disease (PMID: 25376329, 34791078, 38094643). Relevant functional assessments of this variant are available in the literature (PMID: 25376329). c.1992+3A>G has not been observed in referenced population frequency databases. In summary, NM_000124.2(ERCC6):c.1992+3A>G is an intronic variant that has functional support for pathogenicity and has been observed more frequently in cases with the relevant disease than in healthy populations. Please note: this variant was assessed in the context of healthy population screening.

Labcorp Genetics (formerly Invitae), Labcorp
Classification: Pathogenic. Last evaluated: 2024-02-23. Review status: criteria provided, single submitter. Criteria: Invitae Variant Classification Sherloc (09022015). Collection method: clinical testing. Allele origin: germline.
Comment: This sequence change falls in intron 9 of the ERCC6 gene. It does not directly change the encoded amino acid sequence of the ERCC6 protein. RNA analysis indicates that this variant induces altered splicing and may result in an absent or disrupted protein product. This variant is not present in population databases (gnomAD no frequency). This variant has been observed in individual(s) with clinical features of ERCC6-related conditions (PMID: 25376329). It has also been observed to segregate with disease in related individuals. ClinVar contains an entry for this variant (Variation ID: 1459856). Variants that disrupt the consensus splice site are a relatively common cause of aberrant splicing (PMID: 17576681, 9536098). Studies have shown that this variant results in activation of a cryptic splice donor site and introduces a premature termination codon (PMID: 25376329). The resulting mRNA is expected to undergo nonsense-mediated decay. For these reasons, this variant has been classified as Pathogenic.

Literature cited by the submitters: PubMed 25376329 (cited by Myriad Genetics, Inc. and Labcorp Genetics (formerly Invitae), Labcorp); PubMed 34791078 (cited by Myriad Genetics, Inc.); PubMed 38094643 (cited by Myriad Genetics, Inc.); PubMed 17576681 (cited by Labcorp Genetics (formerly Invitae), Labcorp); PubMed 9536098 (cited by Labcorp Genetics (formerly Invitae), Labcorp).